The following is an entry in ClinVar:

ClinVar aggregate classification (germline): Uncertain significance (1 of 4 stars; one submission).

Conditions:
Leber congenital amaurosis 1 (LCA1). Also called: RETINAL BLINDNESS, CONGENITAL; AMAUROSIS CONGENITA OF LEBER I; Congenital absence of the rods and cones; Leber's congenital tapetoretinal degeneration; Leber's congenital tapetoretinal dysplasia. Identifiers: Orphanet 65, MedGen C2931258, MONDO:0008764, OMIM 204000.
Cone-rod dystrophy 6 (CORD6). Also called: RETINAL CONE DYSTROPHY 2; Cone dystrophy progressive. Identifiers: Orphanet 1872, MedGen C1866293, MONDO:0011143, OMIM 601777.

Submission:

Labcorp Genetics (formerly Invitae), Labcorp
Classification: Uncertain significance for Leber congenital amaurosis 1; Cone-rod dystrophy 6. Last evaluated: 2024-04-03. Review status: criteria provided, single submitter. Criteria: Invitae Variant Classification Sherloc (09022015). Collection method: clinical testing. Allele origin: germline.
Comment: This sequence change replaces serine, which is neutral and polar, with tryptophan, which is neutral and slightly polar, at codon 448 of the GUCY2D protein (p.Ser448Trp). This variant is not present in population databases (gnomAD no frequency). This variant has not been reported in the literature in individuals affected with GUCY2D-related conditions. Advanced modeling of protein sequence and biophysical properties (such as structural, functional, and spatial information, amino acid conservation, physicochemical variation, residue mobility, and thermodynamic stability) performed at Invitae indicates that this missense variant is not expected to disrupt GUCY2D protein function with a negative predictive value of 80%. In summary, the available evidence is currently insufficient to determine the role of this variant in disease. Therefore, it has been classified as a Variant of Uncertain Significance.

NM_000180.4(GUCY2D):c.1343C>G (p.Ser448Trp)

Gene: GUCY2D (guanylate cyclase 2D, retinal; plus strand). Cytogenetic location: 17p13.1.
Variant type: single nucleotide variant.
Coding change: c.1343C>G on transcript NM_000180.4 (MANE Select); coding-DNA position 1343, C replaced by G.
Protein change: p.Ser448Trp; replaces serine 448 with tryptophan.
Molecular consequence: missense variant.
Genome position (GRCh38, 1-based): chr17:8,006,679, C>G. VCF-style: chr17-8006679-C-G. GRCh37 (hg19) VCF-style: chr17-7909997-C-G.
Other names: short protein forms S448W.
Identifiers: ClinVar variation 3755586 (VCV003755586.2).